The following is an entry in ClinVar:

NM_001036.6(RYR3):c.6359A>G (p.Glu2120Gly)

Gene: RYR3 (ryanodine receptor 3; plus strand). Cytogenetic location: 15q14.
Variant type: single nucleotide variant.
Coding change: c.6359A>G on transcript NM_001036.6 (MANE Select); coding-DNA position 6359, A replaced by G.
Protein change: p.Glu2120Gly; replaces glutamic acid 2120 with glycine.
Molecular consequence: missense variant.
Genome position (GRCh38, 1-based): chr15:33,699,813, A>G. VCF-style: chr15-33699813-A-G. GRCh37 (hg19) VCF-style: chr15-33992014-A-G.
Other names: c.6359A>G, p.Glu2120Gly (NM_001243996.4); short protein forms E2120G.
Identifiers: ClinVar variation 531056 (VCV000531056.6), dbSNP rs370232598, ClinGen allele CA7459517.
Genomic context (GRCh38, chr15:33,699,813, plus strand): 5'-TCTGTCGAATTAGCCGGCAAAATCAGAAGGCCATGTTTGAGCATCTGAGTTATCTTCTGG[A>G]GAATAGCAGTGTTGGCCTAGGTGCGTAAGTCTTCTTGTAACTTCCACATCCAAACTCGAA-3'
Protein context (NP_001027.3, residues 2110-2130): AMFEHLSYLL[Glu2120Gly]NSSVGLASPS

ClinVar aggregate classification (germline): Uncertain significance (1 of 4 stars; one submission).

Conditions:
Epileptic encephalopathy. Identifiers: MedGen C0543888, HP:0200134.

Allele frequency attached by ClinVar (database versions not stated): gnomAD 0.00003; TOPMed 0.00003; gnomAD exomes 0.00009 and 0.00010; ExAC 0.00014; ESP Exome Variant Server 0.00016.
gnomAD v4.1: 153 of 1,613,698 alleles (0.0095%); highest among the groups gnomAD compares: Non-Finnish European, 0.012%; no homozygotes.

Submission:

Labcorp Genetics (formerly Invitae), Labcorp
Classification: Uncertain significance for Epileptic encephalopathy. Last evaluated: 2021-09-01. Review status: criteria provided, single submitter. Criteria: Invitae Variant Classification Sherloc (09022015). Collection method: clinical testing. Allele origin: germline.
Comment: This sequence change replaces glutamic acid with glycine at codon 2120 of the RYR3 protein (p.Glu2120Gly). The glutamic acid residue is highly conserved and there is a moderate physicochemical difference between glutamic acid and glycine. This variant is present in population databases (rs370232598, ExAC 0.03%). This variant has not been reported in the literature in individuals affected with RYR3-related conditions. Algorithms developed to predict the effect of missense changes on protein structure and function (SIFT, PolyPhen-2, Align-GVGD) all suggest that this variant is likely to be disruptive. In summary, the available evidence is currently insufficient to determine the role of this variant in disease. Therefore, it has been classified as a Variant of Uncertain Significance.